The following is an entry in ClinVar:

NM_007294.4(BRCA1):c.748G>A (p.Glu250Lys)

Gene: BRCA1 (BRCA1 DNA repair associated; minus strand). Cytogenetic location: 17q21.31.
Variant type: single nucleotide variant.
Coding change: c.748G>A on transcript NM_007294.4 (MANE Select); coding-DNA position 748, G replaced by A.
Protein change: p.Glu250Lys; replaces glutamic acid 250 with lysine.
Molecular consequence: missense variant. On other transcripts: non-coding transcript variant (1).
Genome position (GRCh38, 1-based): chr17:43,094,783, C>T on the plus strand (G>A on the coding strand, the complement: BRCA1 is on the minus strand). VCF-style: chr17-43094783-C-T. GRCh37 (hg19) VCF-style: chr17-41246800-C-T.
Other names: c.604G>A, p.Glu202Lys (NM_001407846.1, NM_001407848.1, NM_001407849.1 and 26 more transcripts); c.607G>A, p.Glu203Lys (NM_001407850.1, NM_001407851.1, NM_001407852.1 and 43 more transcripts); c.748G>A, p.Glu250Lys (NM_001407858.1, NM_001407854.1, NM_001407859.1 and 54 more transcripts); c.535G>A, p.Glu179Lys (NM_001407853.1, NM_001407894.1, NM_001407895.1 and 12 more transcripts); c.745G>A, p.Glu249Lys (NM_001407860.1, NM_001407861.1, NM_001407972.1 and 38 more transcripts); c.625G>A, p.Glu209Lys (NM_001407679.1, NM_001407680.1, NM_001407681.1 and 34 more transcripts); c.622G>A, p.Glu208Lys (NM_001407685.1, NM_001407686.1, NM_001407687.1 and 20 more transcripts); c.547G>A, p.Glu183Lys (NM_001407862.1, NM_001408474.1, NM_001408476.1); and 14 more; short protein forms E250K, E203K, E139K, E179K, E180K, E209K, E247K, E138K.
Identifiers: ClinVar variation 630445 (VCV000630445.8), dbSNP rs1567802220, ClinGen allele CA10600590.

ClinVar aggregate classification (germline): Conflicting classifications of pathogenicity. Review status: criteria provided, conflicting classifications (1 of 4 stars). 3 submissions from 3 submitters: Uncertain significance (2); Likely benign (1). Last evaluated 2023-03-23.

Conditions:
Hereditary cancer-predisposing syndrome. Also called: Tumor predisposition; Neoplastic Syndromes, Hereditary; Hereditary neoplastic syndrome; Hereditary Cancer Syndrome. Identifiers: Orphanet 140162, MedGen C0027672, MeSH D009386, MONDO:0015356.

Submissions (3):

University of Washington Department of Laboratory Medicine, University of Washington
Classification: Likely benign for Hereditary cancer-predisposing syndrome. Last evaluated: 2023-03-23. Review status: criteria provided, single submitter. Criteria: Dines et al. (Genet Med. 2020). Collection method: curation. Allele origin: germline.
Comment: Missense variant in a coldspot region where missense variants are very unlikely to be pathogenic (PMID:31911673).

BRCA1 coldspot (exon 11 using historical exon numbering). Reclassification based on statistical prior probability

Ambry Genetics
Classification: Uncertain significance for Hereditary cancer-predisposing syndrome. Last evaluated: 2023-02-14. Review status: criteria provided, single submitter. Criteria: Ambry Variant Classification Scheme 2023. Collection method: clinical testing. Allele origin: germline.
Comment: The p.E250K variant (also known as c.748G>A), located in coding exon 9 of the BRCA1 gene, results from a G to A substitution at nucleotide position 748. The glutamic acid at codon 250 is replaced by lysine, an amino acid with similar properties. This amino acid position is not well conserved in available vertebrate species. In addition, this alteration is predicted to be deleterious by in silico analysis. Since supporting evidence is limited at this time, the clinical significance of this alteration remains unclear.

Color Diagnostics, LLC DBA Color Health
Classification: Uncertain significance for Hereditary cancer-predisposing syndrome. Last evaluated: 2019-05-15. Review status: criteria provided, single submitter. Criteria: ACMG Guidelines, 2015. Collection method: clinical testing. Allele origin: germline.